The following is an entry in ClinVar:

NM_001807.6(CEL):c.959C>T (p.Pro320Leu)

Gene: CEL (carboxyl ester lipase; plus strand). Cytogenetic location: 9q34.13.
Variant type: single nucleotide variant.
Coding change: c.959C>T on transcript NM_001807.6 (MANE Select); coding-DNA position 959, C replaced by T.
Protein change: p.Pro320Leu; replaces proline 320 with leucine.
Molecular consequence: missense variant.
Genome position (GRCh38, 1-based): chr9:133,068,735, C>T. VCF-style: chr9-133068735-C-T. GRCh37 (hg19) VCF-style: chr9-135944122-C-T.
Other names: short protein forms P320L.
Identifiers: ClinVar variation 3382935 (VCV003382935.2).
Genomic context (GRCh38, chr9:133,068,735, plus strand): 5'-CCATGCTGCACTATGTGGGCTTCGTCCCTGTCATTGATGGAGACTTCATCCCCGCTGACC[C>T]GATCAACCTGTACGCCAACGCCGCCGACATCGACTATATAGCAGGCACCAACAACATGGA-3'
Protein context (NP_001798.3, residues 310-330): VIDGDFIPAD[Pro320Leu]INLYANAADI

ClinVar aggregate classification (germline): Uncertain significance (1 of 4 stars; one submission).

Conditions:
Maturity-onset diabetes of the young type 8 (MODY8). Also called: DIABETES AND PANCREATIC EXOCRINE DYSFUNCTION; DIABETES-PANCREATIC EXOCRINE DYSFUNCTION SYNDROME. Identifiers: Orphanet 552, MedGen C1853297, MONDO:0012348, OMIM 609812.

gnomAD v4.1: 26 of 1,606,954 alleles (0.0016%); highest among the groups gnomAD compares: East Asian, 0.025%; no homozygotes.

Submission:

Juno Genomics, Hangzhou Juno Genomics, Inc
Classification: Uncertain significance for Maturity-onset diabetes of the young type 8. Review status: criteria provided, single submitter. Criteria: ACMG Guidelines, 2015. Collection method: clinical testing. Allele origin: germline. Affected: yes.
Comment: Absent from controls (or at extremely low frequency if recessive) in Genome Aggregation Database, Exome Sequencing Project, 1000 Genomes Project, or Exome Aggregation Consortium.